The following is an entry in ClinVar:

NM_001288705.3(CSF1R):c.2468C>G (p.Ala823Gly)

Gene: CSF1R (colony stimulating factor 1 receptor; minus strand). Cytogenetic location: 5q32.
Variant type: single nucleotide variant.
Coding change: c.2468C>G on transcript NM_001288705.3 (MANE Select); coding-DNA position 2468, C replaced by G.
Protein change: p.Ala823Gly; replaces alanine 823 with glycine.
Molecular consequence: missense variant. On other transcripts: non-coding transcript variant (2).
Genome position (GRCh38, 1-based): chr5:150,056,112, G>C on the plus strand (C>G on the coding strand, the complement: CSF1R is on the minus strand). VCF-style: chr5-150056112-G-C. GRCh37 (hg19) VCF-style: chr5-149435675-G-C.
Other names: c.2468C>G, p.Ala823Gly (NM_001349736.2, NM_001375320.1, NM_005211.4); c.2024C>G, p.Ala675Gly (NM_001375321.1); short protein forms A675G, A823G.
Identifiers: ClinVar variation 3635546 (VCV003635546.2).

ClinVar aggregate classification (germline): Uncertain significance (1 of 4 stars; one submission).

Submission:

Labcorp Genetics (formerly Invitae), Labcorp
Classification: Uncertain significance. Last evaluated: 2025-03-19. Review status: criteria provided, single submitter. Criteria: Invitae Variant Classification Sherloc (09022015). Collection method: clinical testing. Allele origin: germline.
Comment: This sequence change replaces alanine, which is neutral and non-polar, with glycine, which is neutral and non-polar, at codon 823 of the CSF1R protein (p.Ala823Gly). This variant is not present in population databases (gnomAD no frequency). This variant has not been reported in the literature in individuals affected with CSF1R-related conditions. Invitae Evidence Modeling of protein sequence and biophysical properties (such as structural, functional, and spatial information, amino acid conservation, physicochemical variation, residue mobility, and thermodynamic stability) has been performed for this missense variant. However, the output from this modeling did not meet the statistical confidence thresholds required to predict the impact of this variant on CSF1R protein function. This variant disrupts the p.Ala823 amino acid residue in CSF1R. Other variant(s) that disrupt this residue have been observed in individuals with CSF1R-related conditions (PMID: 28025469, 31827782, 34569010), which suggests that this may be a clinically significant amino acid residue. In summary, the available evidence is currently insufficient to determine the role of this variant in disease. Therefore, it has been classified as a Variant of Uncertain Significance.

Literature cited by the submitters: PubMed 28025469; PubMed 31827782; PubMed 34569010.